The following is an entry in ClinVar:

NM_001243279.3(ACSF3):c.1535G>T (p.Trp512Leu)

Gene: ACSF3 (acyl-CoA synthetase family member 3; plus strand). Cytogenetic location: 16q24.3.
Variant type: single nucleotide variant.
Coding change: c.1535G>T on transcript NM_001243279.3 (MANE Select); coding-DNA position 1535, G replaced by T.
Protein change: p.Trp512Leu; replaces tryptophan 512 with leucine.
Molecular consequence: missense variant. On other transcripts: non-coding transcript variant (4).
Genome position (GRCh38, 1-based): chr16:89,145,971, G>T. VCF-style: chr16-89145971-G-T. GRCh37 (hg19) VCF-style: chr16-89212379-G-T.
Other names: c.1535G>T, p.Trp512Leu (NM_001127214.4, NM_174917.5); c.740G>T, p.Trp247Leu (NM_001284316.2); short protein forms W247L, W512L.
Identifiers: ClinVar variation 1497619 (VCV001497619.8), dbSNP rs1450563045, ClinGen allele CA397148933.

ClinVar aggregate classification (germline): Uncertain significance (1 of 4 stars; one submission).

Conditions:
Combined malonic and methylmalonic acidemia. Identifiers: Orphanet 289504, MedGen C3280314, MONDO:0013661, OMIM 614265.

Submission:

Labcorp Genetics (formerly Invitae), Labcorp
Classification: Uncertain significance for Combined malonic and methylmalonic acidemia. Last evaluated: 2020-12-26. Review status: criteria provided, single submitter. Criteria: Invitae Variant Classification Sherloc (09022015). Collection method: clinical testing. Allele origin: germline.
Comment: In summary, the available evidence is currently insufficient to determine the role of this variant in disease. Therefore, it has been classified as a Variant of Uncertain Significance. Algorithms developed to predict the effect of missense changes on protein structure and function are either unavailable or do not agree on the potential impact of this missense change (SIFT: "Deleterious"; PolyPhen-2: "Possibly Damaging"; Align-GVGD: "Class C0"). This variant has not been reported in the literature in individuals with ACSF3-related conditions. This variant is not present in population databases (ExAC no frequency). This sequence change replaces tryptophan with leucine at codon 512 of the ACSF3 protein (p.Trp512Leu). The tryptophan residue is moderately conserved and there is a small physicochemical difference between tryptophan and leucine.